The following is an entry in ClinVar:

ClinVar aggregate classification (germline): Pathogenic (1 of 4 stars; one submission).

Conditions:
Asphyxiating thoracic dystrophy 3. Also called: SHORT-RIB THORACIC DYSPLASIA 3 WITH OR WITHOUT POLYDACTYLY; POLYDACTYLY WITH NEONATAL CHONDRODYSTROPHY, TYPE I; SHORT-RIB THORACIC DYSPLASIA 3/6 WITH POLYDACTYLY, DIGENIC; Short rib polydactyly syndrome 2B; Saldino-Noonan Syndrome. Identifiers: Orphanet 474, Orphanet 93269, Orphanet 93270, Orphanet 93271, MedGen C0036069, MONDO:0013127, OMIM 613091.

Submission:

Myriad Genetics, Inc.
Classification: Pathogenic for Asphyxiating thoracic dystrophy 3. Last evaluated: 2026-01-11. Review status: criteria provided, single submitter. Criteria: Myriad Autosomal Dominant, Autosomal Recessive and X-Linked Classification Criteria (2023). Collection method: clinical testing. Allele origin: unknown.
Comment: NM_001377.2(DYNC2H1):c.12097dupA(R4033Kfs*6) is expected to be pathogenic in the context of DYNC2H1-related disorders. This variant is predicted to lead to an abnormal or absent protein product due to the creation of a premature termination codon in DYNC2H1, a gene where loss-of-function variants are known to be pathogenic. Please note: this variant was assessed in the context of healthy population screening.

NM_001377.3(DYNC2H1):c.12097dup (p.Arg4033fs)

Gene: DYNC2H1 (dynein cytoplasmic 2 heavy chain 1; plus strand). Cytogenetic location: 11q22.3.
Variant type: Duplication.
Coding change: c.12097dup on transcript NM_001377.3 (MANE Select); coding-DNA position 12097, one base duplicated (A; older notation c.12097dupA).
Protein change: p.Arg4033fs; shifts the reading frame from arginine 4033.
Molecular consequence: frameshift variant.
Genome position (GRCh38, 1-based): chr11:103,358,300, A duplicated. VCF-style (leftmost placement, unchanged base first): chr11-103358299-T-TA. GRCh37 (hg19) VCF-style: chr11-103229027-T-TA.
Other names: c.12118dup, p.Arg4040fs (NM_001080463.2); short protein forms R4033fs, R4040fs.
Identifiers: ClinVar variation 5015408 (VCV005015408.1).